The following is an entry in ClinVar:

NM_152703.5(SAMD9L):c.4288G>C (p.Ala1430Pro)

Gene: SAMD9L (sterile alpha motif domain containing 9 like; minus strand). Cytogenetic location: 7q21.2.
Variant type: single nucleotide variant.
Coding change: c.4288G>C on transcript NM_152703.5 (MANE Select); coding-DNA position 4288, G replaced by C.
Protein change: p.Ala1430Pro; replaces alanine 1430 with proline.
Molecular consequence: missense variant.
Genome position (GRCh38, 1-based): chr7:93,131,684, C>G on the plus strand (G>C on the coding strand, the complement: SAMD9L is on the minus strand). VCF-style: chr7-93131684-C-G. GRCh37 (hg19) VCF-style: chr7-92760997-C-G.
Other names: c.4288G>C, p.Ala1430Pro (NM_001303496.3, NM_001303497.3, NM_001303498.3 and 5 more transcripts); short protein forms A1430P.
Identifiers: ClinVar variation 3658315 (VCV003658315.2).

ClinVar aggregate classification (germline): Uncertain significance (1 of 4 stars; one submission).

Submission:

Labcorp Genetics (formerly Invitae), Labcorp
Classification: Uncertain significance. Last evaluated: 2024-06-30. Review status: criteria provided, single submitter. Criteria: Invitae Variant Classification Sherloc (09022015). Collection method: clinical testing. Allele origin: germline.
Comment: This sequence change replaces alanine, which is neutral and non-polar, with proline, which is neutral and non-polar, at codon 1430 of the SAMD9L protein (p.Ala1430Pro). This variant is not present in population databases (gnomAD no frequency). This variant has not been reported in the literature in individuals affected with SAMD9L-related conditions. Advanced modeling of protein sequence and biophysical properties (such as structural, functional, and spatial information, amino acid conservation, physicochemical variation, residue mobility, and thermodynamic stability) performed at Invitae indicates that this missense variant is expected to disrupt SAMD9L protein function with a positive predictive value of 80%. In summary, the available evidence is currently insufficient to determine the role of this variant in disease. Therefore, it has been classified as a Variant of Uncertain Significance.